The following is an entry in ClinVar:

ClinVar aggregate classification (germline): Uncertain significance (1 of 4 stars; one submission).

gnomAD v4.1: 8 of 1,613,894 alleles (0.0005%); highest among the groups gnomAD compares: Non-Finnish European, 0.00059%; no homozygotes.

Submission:

Labcorp Genetics (formerly Invitae), Labcorp
Classification: Uncertain significance. Last evaluated: 2022-06-19. Review status: criteria provided, single submitter. Criteria: Invitae Variant Classification Sherloc (09022015). Collection method: clinical testing. Allele origin: germline.
Comment: In summary, the available evidence is currently insufficient to determine the role of this variant in disease. Therefore, it has been classified as a Variant of Uncertain Significance. Algorithms developed to predict the effect of missense changes on protein structure and function are either unavailable or do not agree on the potential impact of this missense change (SIFT: "Tolerated"; PolyPhen-2: "Probably Damaging"; Align-GVGD: "Class C0"). This variant has not been reported in the literature in individuals affected with KMT2C-related conditions. This variant is not present in population databases (gnomAD no frequency). This sequence change replaces aspartic acid, which is acidic and polar, with asparagine, which is neutral and polar, at codon 4832 of the KMT2C protein (p.Asp4832Asn).

NM_170606.3(KMT2C):c.14494G>A (p.Asp4832Asn)

Gene: KMT2C (lysine methyltransferase 2C; minus strand). Cytogenetic location: 7q36.1.
Variant type: single nucleotide variant.
Coding change: c.14494G>A on transcript NM_170606.3 (MANE Select); coding-DNA position 14494, G replaced by A.
Protein change: p.Asp4832Asn; replaces aspartic acid 4832 with asparagine.
Molecular consequence: missense variant.
Genome position (GRCh38, 1-based): chr7:152,139,226, C>T on the plus strand (G>A on the coding strand, the complement: KMT2C is on the minus strand). VCF-style: chr7-152139226-C-T. GRCh37 (hg19) VCF-style: chr7-151836311-C-T.
Other names: short protein forms D4832N.
Identifiers: ClinVar variation 1964118 (VCV001964118.5), dbSNP rs770498556, ClinGen allele CA370085382.